The following is an entry in ClinVar:

NM_005529.7(HSPG2):c.5545G>A (p.Asp1849Asn)

Gene: HSPG2 (heparan sulfate proteoglycan 2; minus strand). Cytogenetic location: 1p36.12.
Variant type: single nucleotide variant.
Coding change: c.5545G>A on transcript NM_005529.7 (MANE Select); coding-DNA position 5545, G replaced by A.
Protein change: p.Asp1849Asn; replaces aspartic acid 1849 with asparagine.
Molecular consequence: missense variant.
Genome position (GRCh38, 1-based): chr1:21,857,045, C>T on the plus strand (G>A on the coding strand, the complement: HSPG2 is on the minus strand). VCF-style: chr1-21857045-C-T. GRCh37 (hg19) VCF-style: chr1-22183538-C-T.
Other names: c.5548G>A, p.Asp1850Asn (NM_001291860.2); short protein forms D1849N, D1850N.
Identifiers: ClinVar variation 1492968 (VCV001492968.6), dbSNP rs371373748, ClinGen allele CA19127214.

ClinVar aggregate classification (germline): Uncertain significance (1 of 4 stars; one submission).

Allele frequency attached by ClinVar (database versions not stated): gnomAD exomes below 0.00001.
gnomAD v4.1: 8 of 1,614,036 alleles (0.0005%); highest among the groups gnomAD compares: African/African-American, 0.0053%; no homozygotes.

Submission:

Labcorp Genetics (formerly Invitae), Labcorp
Classification: Uncertain significance. Last evaluated: 2022-11-22. Review status: criteria provided, single submitter. Criteria: Invitae Variant Classification Sherloc (09022015). Collection method: clinical testing. Allele origin: germline.
Comment: In summary, the available evidence is currently insufficient to determine the role of this variant in disease. Therefore, it has been classified as a Variant of Uncertain Significance. This variant is not present in population databases (gnomAD no frequency). This variant has not been reported in the literature in individuals affected with HSPG2-related conditions. This sequence change replaces aspartic acid, which is acidic and polar, with asparagine, which is neutral and polar, at codon 1849 of the HSPG2 protein (p.Asp1849Asn). ClinVar contains an entry for this variant (Variation ID: 1492968). Algorithms developed to predict the effect of missense changes on protein structure and function are either unavailable or do not agree on the potential impact of this missense change (SIFT: "Tolerated"; PolyPhen-2: "Probably Damaging"; Align-GVGD: "Class C0").